The following is an entry in ClinVar:

ClinVar aggregate classification (germline): Uncertain significance (1 of 4 stars; one submission).

Allele frequency attached by ClinVar (database versions not stated): gnomAD 0.00001; gnomAD exomes 0.00001; TOPMed 0.00001.

Submission:

GeneDx
Classification: Uncertain significance. Last evaluated: 2022-11-18. Review status: criteria provided, single submitter. Criteria: GeneDx Variant Classification Process June 2021. Collection method: clinical testing. Allele origin: germline. Affected: yes.
Comment: Not observed at significant frequency in large population cohorts (gnomAD); In silico analysis supports that this missense variant does not alter protein structure/function; Has not been previously published as pathogenic or benign to our knowledge

NM_015340.4(LARS2):c.359T>C (p.Met120Thr)

Gene: LARS2 (leucyl-tRNA synthetase 2, mitochondrial; plus strand). Cytogenetic location: 3p21.31.
Variant type: single nucleotide variant.
Coding change: c.359T>C on transcript NM_015340.4 (MANE Select); coding-DNA position 359, T replaced by C.
Protein change: p.Met120Thr; replaces methionine 120 with threonine.
Molecular consequence: missense variant.
Genome position (GRCh38, 1-based): chr3:45,400,369, T>C. VCF-style: chr3-45400369-T-C. GRCh37 (hg19) VCF-style: chr3-45441861-T-C.
Other names: c.359T>C, p.Met120Thr (NM_001368263.1); short protein forms M120T.
Identifiers: ClinVar variation 2502766 (VCV002502766.1), dbSNP rs1326685338, ClinGen allele CA352975599.
Genomic context (GRCh38, chr3:45,400,369, plus strand): 5'-GCCATGTGCGTGTCTACACCATCAGCGACACCATAGCACGGTTCCAGAAGATGAGAGGGA[T>C]GCAGGTAAGAACAGGTGCCTGCTGGAGCAGCCCTTGTCTGCCACACGCAGGGTTGGCATG-3'
Protein context (NP_056155.1, residues 110-130): TIARFQKMRG[Met120Thr]QVINPMGWDA